The following is an entry in ClinVar:

ClinVar aggregate classification (germline): Uncertain significance (1 of 4 stars; one submission).

Conditions:
Breast-ovarian cancer, familial, susceptibility to, 1 (BROVCA1). Also called: BRCA1 Hereditary Breast and Ovarian Cancer; OVARIAN CANCER, SUSCEPTIBILITY TO. Identifiers: Orphanet 145, MedGen C2676676, MONDO:0011450, OMIM 604370. Disease mechanism: loss of function.

Submission:

All of Us Research Program, National Institutes of Health
Classification: Uncertain significance for Breast-ovarian cancer, familial, susceptibility to, 1. Last evaluated: 2023-06-26. Review status: criteria provided, single submitter. Criteria: ACMG Guidelines, 2015. Collection method: clinical testing. Allele origin: germline. Inheritance: Autosomal dominant inheritance. Observed: 1 variant allele, 1 heterozygote.
Comment: This variant causes the deletion of one amino acid in which leucine 752 and serine 753 are substituted by a phenylalanine in the BRCA1 protein. To our knowledge, functional studies have not been reported for this variant. This variant has not been reported in individuals affected with BRCA1-related disorders in the literature. This variant has not been identified in the general population by the Genome Aggregation Database (gnomAD). The available evidence is insufficient to determine the role of this variant in disease conclusively. Therefore, this variant is classified as a Variant of Uncertain Significance.

This study involves interpretation of variants in research participants for the purpose of population health screening. Participant phenotype was not available at the time of variant classification. Additional details can be found in publication PMID: 35346344, PMCID: PMC8962531

NM_007294.4(BRCA1):c.2256_2258del (p.Leu752_Ser753delinsPhe)

Gene: BRCA1 (BRCA1 DNA repair associated; minus strand). Cytogenetic location: 17q21.31.
Variant type: Deletion.
Coding change: c.2256_2258del on transcript NM_007294.4 (MANE Select); coding-DNA positions 2256 to 2258, 3 bases deleted (AAG; older notation c.2256_2258delAAG).
Protein change: p.Leu752_Ser753delinsPhe.
Molecular consequence: inframe indel. On other transcripts: intron variant (137).
Genome position (GRCh38, 1-based): chr17:43,093,273-43,093,275, CTT deleted on the plus strand (AAG on the coding strand, the reverse complement: BRCA1 is on the minus strand). VCF-style (leftmost placement, unchanged base first): chr17-43093272-ACTT-A. GRCh37 (hg19) VCF-style: chr17-41245289-ACTT-A.
Other names: c.2130_2132del, p.Leu710_Ser711delinsPhe (NM_001407691.1, NM_001407940.1, NM_001407941.1 and 11 more transcripts); c.2115_2117del, p.Leu705_Ser706delinsPhe (NM_001407692.1, NM_001407694.1, NM_001407695.1 and 29 more transcripts); c.2112_2114del, p.Leu704_Ser705delinsPhe (NM_001407740.1, NM_001407741.1, NM_001407742.1 and 20 more transcripts); c.2043_2045del, p.Leu681_Ser682delinsPhe (NM_001407853.1, NM_001407894.1, NM_001407895.1 and 9 more transcripts); c.2256_2258del, p.Leu752_Ser753delinsPhe (NM_001407854.1, NM_001407858.1, NM_001407859.1 and 30 more transcripts); c.2253_2255del, p.Leu751_Ser752delinsPhe (NM_001407860.1, NM_001407861.1, NM_001407587.1 and 22 more transcripts); c.2055_2057del, p.Leu685_Ser686delinsPhe (NM_001407862.1); c.2133_2135del, p.Leu711_Ser712delinsPhe (NM_001407863.1, NM_001407919.1, NM_001407937.1 and 19 more transcripts); and 41 more.
Identifiers: ClinVar variation 3072258 (VCV003072258.1), dbSNP rs2552190876, ClinGen allele CA2825002538.